The following is an entry in ClinVar:

NM_000540.3(RYR1):c.7406T>C (p.Ile2469Thr)

Gene: RYR1 (ryanodine receptor 1; plus strand). Cytogenetic location: 19q13.2.
Variant type: single nucleotide variant.
Coding change: c.7406T>C on transcript NM_000540.3 (MANE Select); coding-DNA position 7406, T replaced by C.
Protein change: p.Ile2469Thr; replaces isoleucine 2469 with threonine.
Molecular consequence: missense variant.
Genome position (GRCh38, 1-based): chr19:38,500,688, T>C. VCF-style: chr19-38500688-T-C. GRCh37 (hg19) VCF-style: chr19-38991328-T-C.
Other names: c.7406T>C, p.Ile2469Thr (NM_001042723.2); short protein forms I2469T.
Identifiers: ClinVar variation 3070024 (VCV003070024.1), dbSNP rs755661128, ClinGen allele CA069604.

ClinVar aggregate classification (germline): Uncertain significance (1 of 4 stars; one submission).

Conditions:
Malignant hyperthermia, susceptibility to, 1 (MHS1). Also called: RYR1-Related Malignant Hyperthermia Susceptibility; Anesthesia related hyperthermia; Malignant hyperpyrexia; Fulminating hyperpyrexia; Pharmacogenic myopathy; Malignant hyperthermia suceptibility 1. Identifiers: Orphanet 423, MedGen C2930980, MONDO:0007783, OMIM 145600.

Allele frequency attached by ClinVar (database versions not stated): TOPMed below 0.00001; ExAC 0.00001; gnomAD 0.00001; gnomAD exomes 0.00001.
gnomAD v4.1: 11 of 1,613,962 alleles (0.00068%); highest among the groups gnomAD compares: Non-Finnish European, 0.00085%; no homozygotes.

Submission:

All of Us Research Program, National Institutes of Health
Classification: Uncertain significance for Malignant hyperthermia, susceptibility to, 1. Last evaluated: 2023-03-28. Review status: criteria provided, single submitter. Criteria: ACMG Guidelines, 2015. Collection method: clinical testing. Allele origin: germline. Inheritance: Autosomal dominant inheritance. Observed: 1 variant allele, 1 heterozygote.
Comment: This study involves interpretation of variants in research participants for the purpose of population health screening. Participant phenotype was not available at the time of variant classification. Additional details can be found in publication PMID: 35346344, PMCID: PMC8962531